The following is an entry in ClinVar:

NM_001276270.2(MBD4):c.59T>C (p.Val20Ala)

Gene: MBD4 (methyl-CpG binding domain 4, DNA glycosylase; minus strand). Cytogenetic location: 3q21.3.
Variant type: single nucleotide variant.
Coding change: c.59T>C on transcript NM_001276270.2 (MANE Select); coding-DNA position 59, T replaced by C.
Protein change: p.Val20Ala; replaces valine 20 with alanine.
Molecular consequence: missense variant.
Genome position (GRCh38, 1-based): chr3:129,439,775, A>G on the plus strand (T>C on the coding strand, the complement: MBD4 is on the minus strand). VCF-style: chr3-129439775-A-G. GRCh37 (hg19) VCF-style: chr3-129158618-A-G.
Other names: c.59T>C, p.Val20Ala (NM_001276271.2, NM_001276272.2, NM_001276273.2 and 1 more transcripts); short protein forms V20A.
Identifiers: ClinVar variation 4052188 (VCV004052188.1).

ClinVar aggregate classification (germline): Uncertain significance (1 of 4 stars; one submission).

Conditions:
Inborn genetic diseases. Identifiers: MedGen C0950123, MeSH D030342.

Submission:

Ambry Genetics
Classification: Uncertain significance for Inborn genetic diseases. Last evaluated: 2025-04-04. Review status: criteria provided, single submitter. Criteria: Ambry Variant Classification Scheme 2023. Collection method: clinical testing. Allele origin: germline.
Comment: The p.V20A variant (also known as c.59T>C), located in coding exon 1 of the MBD4 gene, results from a T to C substitution at nucleotide position 59. The valine at codon 20 is replaced by alanine, an amino acid with similar properties. This amino acid position is conserved. In addition, this alteration is predicted to be tolerated by in silico analysis. Based on the available evidence, the clinical significance of this variant remains unclear.